The following is an entry in ClinVar:

NM_022436.3(ABCG5):c.1271A>C (p.Tyr424Ser)

Genes: ABCG5 (ATP binding cassette subfamily G member 5; minus strand), DYNC2LI1 (dynein cytoplasmic 2 light intermediate chain 1; plus strand). Cytogenetic location: 2p21.
Variant type: single nucleotide variant.
Coding change: c.1271A>C on transcript NM_022436.3 (MANE Select); coding-DNA position 1271, A replaced by C.
Protein change: p.Tyr424Ser; replaces tyrosine 424 with serine.
Molecular consequence: missense variant. On other transcripts: intron variant (2).
Genome position (GRCh38, 1-based): chr2:43,823,966, T>G on the plus strand (A>C on the coding strand, the complement: ABCG5 is on the minus strand). VCF-style: chr2-43823966-T-G. GRCh37 (hg19) VCF-style: chr2-44051105-T-G.
Other names: c.*16-3420T>G (NM_001348913.2, NM_001348912.2); short protein forms Y424S.
Identifiers: ClinVar variation 2139605 (VCV002139605.2), dbSNP rs368994670, ClinGen allele CA46462419.

ClinVar aggregate classification (germline): Uncertain significance. Review status: criteria provided, multiple submitters, no conflicts (2 of 4 stars). 2 submissions from 2 submitters: Uncertain significance (2). Last evaluated 2024-03-08.

Conditions:
Cardiovascular phenotype. Identifiers: MedGen CN230736.
Sitosterolemia (STSL). Also called: PHYTOSTEROLEMIA. Identifiers: Orphanet 2882, MedGen C0342907, MONDO:0008863.

Allele frequency attached by ClinVar (database versions not stated): gnomAD exomes below 0.00001; ESP Exome Variant Server 0.00008; gnomAD 0.00001; TOPMed 0.00001.
gnomAD v4.1: 4 of 1,613,944 alleles (0.00025%); highest among the groups gnomAD compares: African/African-American, 0.0053%; no homozygotes.

Submissions (2):

Ambry Genetics
Classification: Uncertain significance for Cardiovascular phenotype. Last evaluated: 2024-03-08. Review status: criteria provided, single submitter. Criteria: Ambry Variant Classification Scheme 2023. Collection method: clinical testing. Allele origin: germline.
Comment: The p.Y424S variant (also known as c.1271A>C), located in coding exon 9 of the ABCG5 gene, results from an A to C substitution at nucleotide position 1271. The tyrosine at codon 424 is replaced by serine, an amino acid with dissimilar properties. This amino acid position is conserved. In addition, this alteration is predicted to be deleterious by in silico analysis. Based on the available evidence, the clinical significance of this alteration remains unclear.

Labcorp Genetics (formerly Invitae), Labcorp
Classification: Uncertain significance for Sitosterolemia. Last evaluated: 2022-02-05. Review status: criteria provided, single submitter. Criteria: Invitae Variant Classification Sherloc (09022015). Collection method: clinical testing. Allele origin: germline.
Comment: This sequence change replaces tyrosine, which is neutral and polar, with serine, which is neutral and polar, at codon 424 of the ABCG5 protein (p.Tyr424Ser). This variant is not present in population databases (gnomAD no frequency). This variant has not been reported in the literature in individuals affected with ABCG5-related conditions. Algorithms developed to predict the effect of missense changes on protein structure and function are either unavailable or do not agree on the potential impact of this missense change (SIFT: "Deleterious"; PolyPhen-2: "Probably Damaging"; Align-GVGD: "Class C0"). In summary, the available evidence is currently insufficient to determine the role of this variant in disease. Therefore, it has been classified as a Variant of Uncertain Significance.